The following continues an entry in ClinVar:

NM_003718.5(CDK13):c.484dup (p.Ala162fs)

ClinVar aggregate classification (germline): Conflicting classifications of pathogenicity. Pathogenic (7); Likely pathogenic (3); Uncertain significance (1).

Submissions 12 to 15 of 15:

PreventionGenetics, part of Exact Sciences
Classification: Likely pathogenic for CDK13-related condition. Last evaluated: 2024-09-12. Review status: no assertion criteria provided. Collection method: clinical testing. Allele origin: germline. Not counted in ClinVar's aggregate classification.
Comment: The CDK13 c.484dupG variant is predicted to result in a frameshift and premature protein termination (p.Ala162Glyfs*108). This variant has been reported in four unrelated affected individuals with variable syndromic intellectual disability/developmental delay and epilepsy; it was reported as a de novo finding in two of these individuals and unknown inheritance in the other two (van den Akker et al. 2018. PubMed ID: 29393965; Patient 9, Appendix I, Snoeijen-Schouwenaars et al. 2019. PubMed ID: 30525188). This variant has been reported twice among ~31,000 alleles in a large population database, however the quality of this call may be questionable. In summary, we interpret this variant as likely pathogenic.

MedGen Diagnostic Laboratory, MedGen Medical Centre
Classification: Pathogenic for Congenital heart defects, dysmorphic facial features, and intellectual developmental disorder. Last evaluated: 2022-08-08. Review status: no assertion criteria provided. Collection method: clinical testing. Allele origin: de novo. Inheritance: Autosomal dominant inheritance. Affected: yes. Observed: 1 heterozygote. Not counted in ClinVar's aggregate classification.
Comment: The variant is de novo. In summary, this variant meets criteria to be classified as pathogenic.

Bioscientia Institut fuer Medizinische Diagnostik GmbH, Sonic Healthcare
Classification: Pathogenic for Congenital heart defects, dysmorphic facial features, and intellectual developmental disorder. Last evaluated: 2018-12-12. Review status: no assertion criteria provided. Collection method: clinical testing. Allele origin: germline. Affected: yes. Not counted in ClinVar's aggregate classification.

Centre for Mendelian Genomics, University Medical Centre Ljubljana
Classification: Uncertain significance for Congenital heart defects, dysmorphic facial features, and intellectual developmental disorder. Last evaluated: 2019-08-09. Review status: flagged submission. Criteria: ACMG Guidelines, 2015. Collection method: clinical testing. Allele origin: unknown. Affected: yes. Not counted in ClinVar's aggregate classification.
Comment: This variant was classified as: Uncertain significance. The available evidence on this variant's pathogenicity is insufficient or conflicting. The following ACMG criteria were applied in classifying this variant: PM2.
ClinVar note: Reason: Outlier claim with insufficient supporting evidence

Literature cited by the submitters: PubMed 29393965 (cited by 4 submitters); PubMed 30525188 (cited by Ambry Genetics and Illumina Laboratory Services, Illumina); PubMed 36114283 (cited by Ambry Genetics and Victorian Clinical Genetics Services, Murdoch Childrens Research Institute); PubMed 36599938 (cited by Ambry Genetics and Victorian Clinical Genetics Services, Murdoch Childrens Research Institute); PubMed 27479907 (cited by Labcorp Genetics (formerly Invitae), Labcorp); PubMed 29021403 (cited by Labcorp Genetics (formerly Invitae), Labcorp); PubMed 30904094 (cited by Victorian Clinical Genetics Services, Murdoch Childrens Research Institute); PubMed 31238879 (cited by Victorian Clinical Genetics Services, Murdoch Childrens Research Institute); PubMed 32762766 (cited by Victorian Clinical Genetics Services, Murdoch Childrens Research Institute); PubMed 33879837 (cited by Victorian Clinical Genetics Services, Murdoch Childrens Research Institute).